The following is an entry in ClinVar:

ClinVar aggregate classification (germline): Uncertain significance. Review status: criteria provided, multiple submitters, no conflicts (2 of 4 stars). 3 submissions from 3 submitters: Uncertain significance (3). Last evaluated 2024-06-10.

Conditions:
Inborn genetic diseases. Identifiers: MedGen C0950123, MeSH D030342.
Hypophosphatemic nephrolithiasis/osteoporosis 2. Identifiers: Orphanet 244305, MedGen C2676782, MONDO:0012851, OMIM 612287.

Allele frequency attached by ClinVar (database versions not stated): gnomAD exomes below 0.00001; TOPMed 0.00002; gnomAD 0.00003 and 0.00004.
gnomAD v4.1: 21 of 1,613,994 alleles (0.0013%); highest among the groups gnomAD compares: Middle Eastern, 0.049%; no homozygotes.

Submissions (3):

Ambry Genetics
Classification: Uncertain significance for Inborn genetic diseases. Last evaluated: 2024-06-10. Review status: criteria provided, single submitter. Criteria: Ambry Variant Classification Scheme 2023. Collection method: clinical testing. Allele origin: germline.

Fulgent Genetics
Classification: Uncertain significance for Hypophosphatemic nephrolithiasis/osteoporosis 2. Last evaluated: 2022-05-26. Review status: criteria provided, single submitter. Criteria: ACMG Guidelines, 2015. Collection method: clinical testing. Allele origin: unknown.

Labcorp Genetics (formerly Invitae), Labcorp
Classification: Uncertain significance. Last evaluated: 2019-07-25. Review status: criteria provided, single submitter. Criteria: Invitae Variant Classification Sherloc (09022015). Collection method: clinical testing. Allele origin: germline.
Comment: In summary, the available evidence is currently insufficient to determine the role of this variant in disease. Therefore, it has been classified as a Variant of Uncertain Significance. Algorithms developed to predict the effect of missense changes on protein structure and function output the following: SIFT: "Tolerated"; PolyPhen-2: "Possibly Damaging"; Align-GVGD: "Class C0". The leucine amino acid residue is found in multiple mammalian species, suggesting that this missense change does not adversely affect protein function. These predictions have not been confirmed by published functional studies and their clinical significance is uncertain. This variant has not been reported in the literature in individuals with SLC9A3R1-related conditions. This variant is not present in population databases (ExAC no frequency). This sequence change replaces methionine with leucine at codon 157 of the SLC9A3R1 protein (p.Met157Leu). The methionine residue is moderately conserved and there is a small physicochemical difference between methionine and leucine.

NM_004252.5(NHERF1):c.469A>C (p.Met157Leu)

Gene: NHERF1 (NHERF family PDZ scaffold protein 1; plus strand). Cytogenetic location: 17q25.1.
Variant type: single nucleotide variant.
Coding change: c.469A>C on transcript NM_004252.5 (MANE Select); coding-DNA position 469, A replaced by C.
Protein change: p.Met157Leu; replaces methionine 157 with leucine.
Molecular consequence: missense variant.
Genome position (GRCh38, 1-based): chr17:74,762,039, A>C. VCF-style: chr17-74762039-A-C. GRCh37 (hg19) VCF-style: chr17-72758178-A-C.
Other names: c.469A>C (NM_004252.3); short protein forms M157L.
Identifiers: ClinVar variation 959800 (VCV000959800.11), dbSNP rs967768641, ClinGen allele CA293940063.